The following is an entry in ClinVar:

ClinVar aggregate classification (germline): Uncertain significance (1 of 4 stars; one submission).

gnomAD v4.1: 1 of 1,614,130 alleles (0.000062%); no homozygotes.

Submission:

Labcorp Genetics (formerly Invitae), Labcorp
Classification: Uncertain significance. Last evaluated: 2024-04-25. Review status: criteria provided, single submitter. Criteria: Invitae Variant Classification Sherloc (09022015). Collection method: clinical testing. Allele origin: germline.
Comment: This sequence change replaces threonine, which is neutral and polar, with isoleucine, which is neutral and non-polar, at codon 1073 of the IGSF10 protein (p.Thr1073Ile). This variant is not present in population databases (gnomAD no frequency). This variant has not been reported in the literature in individuals affected with IGSF10-related conditions. An algorithm developed to predict the effect of missense changes on protein structure and function (PolyPhen-2) suggests that this variant is likely to be tolerated. In summary, the available evidence is currently insufficient to determine the role of this variant in disease. Therefore, it has been classified as a Variant of Uncertain Significance.

NM_178822.5(IGSF10):c.3218C>T (p.Thr1073Ile)

Gene: IGSF10 (immunoglobulin superfamily member 10; minus strand). Cytogenetic location: 3q25.1.
Variant type: single nucleotide variant.
Coding change: c.3218C>T on transcript NM_178822.5 (MANE Select); coding-DNA position 3218, C replaced by T.
Protein change: p.Thr1073Ile; replaces threonine 1073 with isoleucine.
Molecular consequence: missense variant.
Genome position (GRCh38, 1-based): chr3:151,446,763, G>A on the plus strand (C>T on the coding strand, the complement: IGSF10 is on the minus strand). VCF-style: chr3-151446763-G-A. GRCh37 (hg19) VCF-style: chr3-151164551-G-A.
Other names: c.3218C>T, p.Thr1073Ile (NM_001385060.1, NM_001385061.1, NM_001385062.1 and 1 more transcripts); short protein forms T1073I.
Identifiers: ClinVar variation 3688190 (VCV003688190.2).